The following is an entry in ClinVar:

ClinVar aggregate classification (germline): Uncertain significance (1 of 4 stars; one submission).

Allele frequency attached by ClinVar (database versions not stated): TOPMed below 0.00001; gnomAD 0.00001; gnomAD exomes 0.00001; ExAC 0.00002.
gnomAD v4.1: 8 of 1,603,084 alleles (0.0005%); highest among the groups gnomAD compares: Admixed American, 0.0051%; no homozygotes.

Submission:

Labcorp Genetics (formerly Invitae), Labcorp
Classification: Uncertain significance. Last evaluated: 2024-01-12. Review status: criteria provided, single submitter. Criteria: Invitae Variant Classification Sherloc (09022015). Collection method: clinical testing. Allele origin: germline.
Comment: This sequence change replaces serine, which is neutral and polar, with arginine, which is basic and polar, at codon 220 of the TJP2 protein (p.Ser220Arg). The frequency data for this variant in the population databases is considered unreliable, as metrics indicate poor data quality at this position in the gnomAD database. This variant has not been reported in the literature in individuals affected with TJP2-related conditions. ClinVar contains an entry for this variant (Variation ID: 2428432). An algorithm developed to predict the effect of missense changes on protein structure and function (PolyPhen-2) suggests that this variant¬†is likely to be tolerated. In summary, the available evidence is currently insufficient to determine the role of this variant in disease. Therefore, it has been classified as a Variant of Uncertain Significance.

NM_004817.4(TJP2):c.658A>C (p.Ser220Arg)

Gene: TJP2 (tight junction protein 2; plus strand). Cytogenetic location: 9q21.11.
Variant type: single nucleotide variant.
Coding change: c.658A>C on transcript NM_004817.4 (MANE Select); coding-DNA position 658, A replaced by C.
Protein change: p.Ser220Arg; replaces serine 220 with arginine.
Molecular consequence: missense variant.
Genome position (GRCh38, 1-based): chr9:69,221,202, A>C. VCF-style: chr9-69221202-A-C. GRCh37 (hg19) VCF-style: chr9-71836118-A-C.
Other names: c.589A>C, p.Ser197Arg (NM_001170414.2, NM_001369870.1, NM_001369871.1); c.670A>C, p.Ser224Arg (NM_001170415.1, NM_001369874.1, NM_001369875.1); c.751A>C, p.Ser251Arg (NM_001170416.2); c.658A>C, p.Ser220Arg (NM_001369872.1, NM_001369873.1, NM_201629.3); short protein forms S197R, S220R, S224R, S251R.
Identifiers: ClinVar variation 2428432 (VCV002428432.4), dbSNP rs780320297, ClinGen allele CA5073062.
Genomic context (GRCh38, chr9:69,221,202, plus strand): 5'-AGCCTGGAGCGGGGCCTGGACCAAGACCATGCGCGCACCCGAGACCGCAGCCGTGGCCGG[A>C]GCCTGGAGCGGGGCCTGGACCACGACTTTGGGCCATCCCGGGACCGGGACCGTGACCGCA-3'
Protein context (NP_004808.2, residues 210-230): ARTRDRSRGR[Ser220Arg]LERGLDHDFG